The following is an entry in ClinVar:

ClinVar aggregate classification (germline): Likely benign (1 of 4 stars; one submission).

Allele frequency attached by ClinVar (database versions not stated): 1000 Genomes Project 30x 0.00094; 1000 Genomes Project 0.00120; TOPMed 0.00266; ExAC 0.00281; gnomAD 0.00305; ESP Exome Variant Server 0.00361.
gnomAD v4.1: 7,399 of 1,614,178 alleles (0.46%); highest among the groups gnomAD compares: Non-Finnish European, 0.57%; 31 homozygotes.

Submission:

CeGaT Center for Human Genetics Tuebingen
Classification: Likely benign. Last evaluated: 2022-11-01. Review status: criteria provided, single submitter. Criteria: CeGaT Center For Human Genetics Tuebingen Variant Classification Criteria Version 2. Collection method: clinical testing. Allele origin: germline. Affected: yes. Observed: 1 variant allele.
Comment: TLDC2: BP4, BS2

NM_080628.3(TLDC2):c.561C>A (p.Ser187Arg)

Gene: TLDC2 (TBC/LysM-associated domain containing 2; plus strand). Cytogenetic location: 20q11.23.
Variant type: single nucleotide variant.
Coding change: c.561C>A on transcript NM_080628.3 (MANE Select); coding-DNA position 561, C replaced by A.
Protein change: p.Ser187Arg; replaces serine 187 with arginine.
Molecular consequence: missense variant.
Genome position (GRCh38, 1-based): chr20:36,889,299, C>A. VCF-style: chr20-36889299-C-A. GRCh37 (hg19) VCF-style: chr20-35517702-C-A.
Other names: c.465C>A, p.Ser155Arg (NM_001304783.1); short protein forms S155R, S187R.
Identifiers: ClinVar variation 2652303 (VCV002652303.24), dbSNP rs142937976, ClinGen allele CA9844354.